The following is an entry in ClinVar:

NM_001040108.2(MLH3):c.2969C>G (p.Ala990Gly)

Gene: MLH3 (mutL homolog 3; minus strand). Cytogenetic location: 14q24.3.
Variant type: single nucleotide variant.
Coding change: c.2969C>G on transcript NM_001040108.2 (MANE Select); coding-DNA position 2969, C replaced by G.
Protein change: p.Ala990Gly; replaces alanine 990 with glycine.
Molecular consequence: missense variant.
Genome position (GRCh38, 1-based): chr14:75,046,687, G>C on the plus strand (C>G on the coding strand, the complement: MLH3 is on the minus strand). VCF-style: chr14-75046687-G-C. GRCh37 (hg19) VCF-style: chr14-75513390-G-C.
Other names: c.2969C>G, p.Ala990Gly (NM_014381.3); short protein forms A990G.
Identifiers: ClinVar variation 4860177 (VCV004860177.1).

ClinVar aggregate classification (germline): Uncertain significance (1 of 4 stars; one submission).

Submission:

Ambry Genetics
Classification: Uncertain significance. Last evaluated: 2026-04-05. Review status: criteria provided, single submitter. Criteria: Ambry Variant Classification Scheme 2023. Collection method: clinical testing. Allele origin: germline.
Comment: The p.A990G variant (also known as c.2969C>G), located in coding exon 1 of the MLH3 gene, results from a C to G substitution at nucleotide position 2969. The alanine at codon 990 is replaced by glycine, an amino acid with similar properties. This amino acid position is conserved. In addition, this alteration is predicted to be tolerated by in silico analysis. Based on the available evidence, the clinical significance of this variant remains unclear.